The following is an entry in ClinVar:

NM_014714.4(IFT140):c.3712G>A (p.Ala1238Thr)

Gene: IFT140 (intraflagellar transport 140; minus strand). Cytogenetic location: 16p13.3.
Variant type: single nucleotide variant.
Coding change: c.3712G>A on transcript NM_014714.4 (MANE Select); coding-DNA position 3712, G replaced by A.
Protein change: p.Ala1238Thr; replaces alanine 1238 with threonine.
Molecular consequence: missense variant.
Genome position (GRCh38, 1-based): chr16:1,520,292, C>T on the plus strand (G>A on the coding strand, the complement: IFT140 is on the minus strand). VCF-style: chr16-1520292-C-T. GRCh37 (hg19) VCF-style: chr16-1570293-C-T.
Other names: short protein forms A1238T.
Identifiers: ClinVar variation 1304866 (VCV001304866.6), dbSNP rs376953801, ClinGen allele CA7813052.

ClinVar aggregate classification (germline): Uncertain significance. Review status: criteria provided, multiple submitters, no conflicts (2 of 4 stars). 4 submissions from 4 submitters: Uncertain significance (4). Last evaluated 2024-04-04.

Conditions:
Saldino-Mainzer syndrome (SRTD9). Also called: SHORT-RIB THORACIC DYSPLASIA 9 WITHOUT POLYDACTYLY; Renal dysplasia, retinal pigmentary dystrophy, cerebellar ataxia and skeletal dysplasia; short-rib thoracic dysplasia 9 with or without polydactyly; CONORENAL SYNDROME. Identifiers: Orphanet 140969, MedGen C1849437, MONDO:0009964, OMIM 266920.
Retinitis pigmentosa 80 (RP80). Identifiers: MedGen C4540439, MONDO:0054708, OMIM 617781.

gnomAD v4.1: 73 of 1,614,050 alleles (0.0045%); highest among the groups gnomAD compares: Admixed American, 0.033%; no homozygotes.

Submissions (4):

Fulgent Genetics
Classification: Uncertain significance for Saldino-Mainzer syndrome; Retinitis pigmentosa 80. Last evaluated: 2024-04-04. Review status: criteria provided, single submitter. Criteria: ACMG Guidelines, 2015. Collection method: clinical testing. Allele origin: germline.

Blueprint Genetics
Classification: Uncertain significance. Last evaluated: 2023-03-20. Review status: criteria provided, single submitter. Criteria: ACMG Guidelines, 2015. Collection method: clinical testing. Allele origin: germline.

Labcorp Genetics (formerly Invitae), Labcorp
Classification: Uncertain significance for Saldino-Mainzer syndrome. Last evaluated: 2022-07-29. Review status: criteria provided, single submitter. Criteria: Invitae Variant Classification Sherloc (09022015). Collection method: clinical testing. Allele origin: germline.
Comment: This sequence change replaces alanine, which is neutral and non-polar, with threonine, which is neutral and polar, at codon 1238 of the IFT140 protein (p.Ala1238Thr). This variant is present in population databases (rs376953801, gnomAD 0.05%). This variant has not been reported in the literature in individuals affected with IFT140-related conditions. ClinVar contains an entry for this variant (Variation ID: 1304866). Algorithms developed to predict the effect of missense changes on protein structure and function are either unavailable or do not agree on the potential impact of this missense change (SIFT: "Deleterious"; PolyPhen-2: "Probably Damaging"; Align-GVGD: "Class C0"). In summary, the available evidence is currently insufficient to determine the role of this variant in disease. Therefore, it has been classified as a Variant of Uncertain Significance.

GeneDx
Classification: Uncertain significance. Last evaluated: 2019-08-27. Review status: criteria provided, single submitter. Criteria: GeneDx Variant Classification Process June 2021. Collection method: clinical testing. Allele origin: germline. Affected: yes.
Comment: In silico analysis, which includes protein predictors and evolutionary conservation, supports a deleterious effect; Has not been previously published as pathogenic or benign to our knowledge